The following is an entry in ClinVar:

NM_025009.5(CEP135):c.2545_2546del (p.Glu849fs)

Gene: CEP135 (centrosomal protein 135; plus strand). Cytogenetic location: 4q12.
Variant type: Deletion.
Coding change: c.2545_2546del on transcript NM_025009.5 (MANE Select); coding-DNA positions 2545 to 2546, 2 bases deleted (GA; older notation c.2545_2546delGA).
Protein change: p.Glu849fs; shifts the reading frame from glutamic acid 849.
Molecular consequence: frameshift variant.
Genome position (GRCh38, 1-based): chr4:56,011,451-56,011,452, GA deleted; deleting any 2 consecutive bases within chr4:56,011,450-56,011,452 gives the same sequence; the c. name uses the placement nearest the transcript's 3' end. VCF-style (leftmost placement, unchanged base first): chr4-56011449-AAG-A. GRCh37 (hg19) VCF-style: chr4-56877615-AAG-A.
Other names: short protein forms E849fs.
Identifiers: ClinVar variation 2105088 (VCV002105088.4), dbSNP rs750616133, ClinGen allele CA2928193.

ClinVar aggregate classification (germline): Pathogenic (1 of 4 stars; one submission).

Submission:

Labcorp Genetics (formerly Invitae), Labcorp
Classification: Pathogenic. Last evaluated: 2022-04-16. Review status: criteria provided, single submitter. Criteria: Invitae Variant Classification Sherloc (09022015). Collection method: clinical testing. Allele origin: germline.
Comment: This sequence change creates a premature translational stop signal (p.Glu849Argfs*8) in the CEP135 gene. It is expected to result in an absent or disrupted protein product. Loss-of-function variants in CEP135 are known to be pathogenic (PMID: 22521416, 26657937). This variant is present in population databases (rs750616133, gnomAD 0.007%). For these reasons, this variant has been classified as Pathogenic. This variant has not been reported in the literature in individuals affected with CEP135-related conditions.

Literature cited by the submitters: PubMed 22521416; PubMed 26657937.